The following is an entry in ClinVar:

ClinVar aggregate classification (germline): Uncertain significance. Review status: criteria provided, multiple submitters, no conflicts (2 of 4 stars). 4 submissions from 4 submitters: Uncertain significance (4). Last evaluated 2025-10-22.

Conditions:
Inborn genetic diseases. Identifiers: MedGen C0950123, MeSH D030342.

Allele frequency attached by ClinVar (database versions not stated): gnomAD 0.00001; TOPMed 0.00001.
gnomAD v4.1: 15 of 1,613,772 alleles (0.00093%); highest among the groups gnomAD compares: Admixed American, 0.0033%; no homozygotes.

Submissions (4):

Ambry Genetics
Classification: Uncertain significance for Inborn genetic diseases. Last evaluated: 2025-10-22. Review status: criteria provided, single submitter. Criteria: Ambry Variant Classification Scheme 2023. Collection method: clinical testing. Allele origin: germline.

GeneDx
Classification: Uncertain significance. Last evaluated: 2023-05-18. Review status: criteria provided, single submitter. Criteria: GeneDx Variant Classification Process June 2021. Collection method: clinical testing. Allele origin: germline. Affected: yes.
Comment: Not observed at significant frequency in large population cohorts (gnomAD); In silico analysis supports that this missense variant does not alter protein structure/function; Has not been previously published as pathogenic or benign to our knowledge

Revvity Omics, Revvity
Classification: Uncertain significance. Last evaluated: 2022-03-12. Review status: criteria provided, single submitter. Criteria: ACMG Guidelines, 2015. Collection method: clinical testing. Allele origin: germline.

Blueprint Genetics
Classification: Uncertain significance. Last evaluated: 2020-03-26. Review status: criteria provided, single submitter. Criteria: ACMG Guidelines, 2015. Collection method: clinical testing. Allele origin: germline.

NM_012082.4(ZFPM2):c.665G>A (p.Arg222His)

Genes: ZFPM2 (zinc finger protein, FOG family member 2; plus strand), ZFPM2-AS1 (ZFPM2 antisense RNA 1; minus strand). Cytogenetic location: 8q23.1.
Variant type: single nucleotide variant.
Coding change: c.665G>A on transcript NM_012082.4 (MANE Select); coding-DNA position 665, G replaced by A.
Protein change: p.Arg222His; replaces arginine 222 with histidine.
Molecular consequence: missense variant.
Genome position (GRCh38, 1-based): chr8:105,788,850, G>A. VCF-style: chr8-105788850-G-A. GRCh37 (hg19) VCF-style: chr8-106801078-G-A.
Other names: c.506G>A, p.Arg169His (NM_001362836.2); c.269G>A, p.Arg90His (NM_001362837.2); c.665G>A (NM_012082.3); short protein forms R169H, R222H, R90H.
Identifiers: ClinVar variation 2438649 (VCV002438649.6), dbSNP rs1294020638, ClinGen allele CA371940992.